The following is an entry in ClinVar:

ClinVar aggregate classification (germline): Conflicting classifications of pathogenicity. Review status: criteria provided, conflicting classifications (1 of 4 stars). 2 submissions from 2 submitters: Uncertain significance (1); Likely benign (1). Last evaluated 2023-11-28.

Allele frequency attached by ClinVar (database versions not stated): gnomAD exomes 0.00001; TOPMed 0.00001.

Submissions (2):

Labcorp Genetics (formerly Invitae), Labcorp
Classification: Uncertain significance. Last evaluated: 2023-11-28. Review status: criteria provided, single submitter. Criteria: Invitae Variant Classification Sherloc (09022015). Collection method: clinical testing. Allele origin: germline.
Comment: This sequence change replaces valine, which is neutral and non-polar, with isoleucine, which is neutral and non-polar, at codon 25 of the ANKZF1 protein (p.Val25Ile). This variant is present in population databases (no rsID available, gnomAD 0.0009%). This variant has not been reported in the literature in individuals affected with ANKZF1-related conditions. ClinVar contains an entry for this variant (Variation ID: 2321056). Algorithms developed to predict the effect of missense changes on protein structure and function output the following: SIFT: "Not Available"; PolyPhen-2: "Benign"; Align-GVGD: "Not Available". The isoleucine amino acid residue is found in multiple mammalian species, which suggests that this missense change does not adversely affect protein function. In summary, the available evidence is currently insufficient to determine the role of this variant in disease. Therefore, it has been classified as a Variant of Uncertain Significance.

Ambry Genetics
Classification: Likely benign. Last evaluated: 2022-10-27. Review status: criteria provided, single submitter. Criteria: Ambry Variant Classification Scheme 2023. Collection method: clinical testing. Allele origin: germline.

NM_018089.3(ANKZF1):c.73G>A (p.Val25Ile)

Gene: ANKZF1 (ankyrin repeat and zinc finger peptidyl tRNA hydrolase 1; plus strand). Cytogenetic location: 2q35.
Variant type: single nucleotide variant.
Coding change: c.73G>A on transcript NM_018089.3 (MANE Select); coding-DNA position 73, G replaced by A.
Protein change: p.Val25Ile; replaces valine 25 with isoleucine.
Molecular consequence: missense variant. On other transcripts: intron variant (1).
Genome position (GRCh38, 1-based): chr2:219,230,330, G>A. VCF-style: chr2-219230330-G-A. GRCh37 (hg19) VCF-style: chr2-220095052-G-A.
Other names: c.73G>A (NM_018089.2); c.73G>A, p.Val25Ile (NM_001042410.2); c.-267+430G>A (NM_001282792.2); short protein forms V25I.
Identifiers: ClinVar variation 2321056 (VCV002321056.8), dbSNP rs1307253731, ClinGen allele CA350670024.